The following is an entry in ClinVar:

ClinVar aggregate classification (germline): Uncertain significance (1 of 4 stars; one submission).

Allele frequency attached by ClinVar (database versions not stated): gnomAD exomes 0.00001; ExAC 0.00002; gnomAD 0.00002 and 0.00003; TOPMed 0.00003.
gnomAD v4.1: 14 of 1,614,026 alleles (0.00087%); highest among the groups gnomAD compares: African/African-American, 0.0027%; no homozygotes.

Submission:

Labcorp Genetics (formerly Invitae), Labcorp
Classification: Uncertain significance. Last evaluated: 2024-02-24. Review status: criteria provided, single submitter. Criteria: Invitae Variant Classification Sherloc (09022015). Collection method: clinical testing. Allele origin: germline.
Comment: This sequence change replaces glycine, which is neutral and non-polar, with arginine, which is basic and polar, at codon 188 of the UPB1 protein (p.Gly188Arg). This variant is present in population databases (rs777099704, gnomAD 0.01%). This variant has not been reported in the literature in individuals affected with UPB1-related conditions. ClinVar contains an entry for this variant (Variation ID: 1498657). Advanced modeling of protein sequence and biophysical properties (such as structural, functional, and spatial information, amino acid conservation, physicochemical variation, residue mobility, and thermodynamic stability) performed at Invitae indicates that this missense variant is expected to disrupt UPB1 protein function with a positive predictive value of 80%. In summary, the available evidence is currently insufficient to determine the role of this variant in disease. Therefore, it has been classified as a Variant of Uncertain Significance.

NM_016327.3(UPB1):c.562G>A (p.Gly188Arg)

Gene: UPB1 (beta-ureidopropionase 1; plus strand). Cytogenetic location: 22q11.23.
Variant type: single nucleotide variant.
Coding change: c.562G>A on transcript NM_016327.3 (MANE Select); coding-DNA position 562, G replaced by A.
Protein change: p.Gly188Arg; replaces glycine 188 with arginine.
Molecular consequence: missense variant.
Genome position (GRCh38, 1-based): chr22:24,513,426, G>A. VCF-style: chr22-24513426-G-A. GRCh37 (hg19) VCF-style: chr22-24909394-G-A.
Other names: short protein forms G188R.
Identifiers: ClinVar variation 1498657 (VCV001498657.6), dbSNP rs777099704, ClinGen allele CA10153265.
Genomic context (GRCh38, chr22:24,513,426, plus strand): 5'-GAACGAGACAGCGAGCATGGGGATGTTTTGTGGAATACAGCCGTGGTGATCTCCAATTCC[G>A]GAGCAGTCCTGGGAAAGACCAGGAAAAACCACATCCCCAGAGTGGGTGATTTCAACGAGG-3'
Protein context (NP_057411.1, residues 178-198): WNTAVVISNS[Gly188Arg]AVLGKTRKNH